The following is an entry in ClinVar:

NM_001012339.3(DNAJC21):c.192-3C>A

Gene: DNAJC21 (DnaJ heat shock protein family (Hsp40) member C21; plus strand). Cytogenetic location: 5p13.2.
Variant type: single nucleotide variant.
Coding change: c.192-3C>A on transcript NM_001012339.3 (MANE Select); 3 bases into the intron before coding-DNA position 192, C replaced by A.
Molecular consequence: intron variant.
Genome position (GRCh38, 1-based): chr5:34,935,707, C>A. VCF-style: chr5-34935707-C-A. GRCh37 (hg19) VCF-style: chr5-34935812-C-A.
Other names: c.192-3C>A (NM_001348420.2, NM_194283.4).
Identifiers: ClinVar variation 1493426 (VCV001493426.1), dbSNP rs201515053, ClinGen allele CA116889060.

ClinVar aggregate classification (germline): Uncertain significance (1 of 4 stars; one submission).

Submission:

Labcorp Genetics (formerly Invitae), Labcorp
Classification: Uncertain significance. Last evaluated: 2021-02-06. Review status: criteria provided, single submitter. Criteria: Invitae Variant Classification Sherloc (09022015). Collection method: clinical testing. Allele origin: germline.
Comment: This sequence change falls in intron 2 of the DNAJC21 gene. It does not directly change the encoded amino acid sequence of the DNAJC21 protein. It affects a nucleotide within the consensus splice site of the intron. This variant is not present in population databases (ExAC no frequency). This variant has not been reported in the literature in individuals with DNAJC21-related conditions. Nucleotide substitutions within the consensus splice site are a relatively common cause of aberrant splicing (PMID: 17576681, 9536098). Algorithms developed to predict the effect of sequence changes on RNA splicing suggest that this variant is not likely to affect RNA splicing, but this prediction has not been confirmed by published transcriptional studies. In summary, the available evidence is currently insufficient to determine the role of this variant in disease. Therefore, it has been classified as a Variant of Uncertain Significance.

Literature cited by the submitters: PubMed 17576681; PubMed 9536098.